The following is an entry in ClinVar:

NM_024494.3(WNT2B):c.13G>C (p.Gly5Arg)

Genes: WNT2B (Wnt family member 2B; plus strand), LOC129931208 (ATAC-STARR-seq lymphoblastoid silent region 1200; plus strand). Cytogenetic location: 1p13.2.
Variant type: single nucleotide variant.
Coding change: c.13G>C on transcript NM_024494.3 (MANE Select); coding-DNA position 13, G replaced by C.
Protein change: p.Gly5Arg; replaces glycine 5 with arginine.
Molecular consequence: missense variant. On other transcripts: intron variant (2).
Genome position (GRCh38, 1-based): chr1:112,509,275, G>C. VCF-style: chr1-112509275-G-C. GRCh37 (hg19) VCF-style: chr1-113051897-G-C.
Other names: c.126-5599G>C (NM_004185.4); c.-94-5599G>C (NM_001291880.1); c.13G>C (NM_024494.2); short protein forms G5R.
Identifiers: ClinVar variation 1972665 (VCV001972665.4), dbSNP rs774022592, ClinGen allele CA1008153.

ClinVar aggregate classification (germline): Uncertain significance. Review status: criteria provided, multiple submitters, no conflicts (2 of 4 stars). 2 submissions from 2 submitters: Uncertain significance (2). Last evaluated 2023-08-14.

Allele frequency attached by ClinVar (database versions not stated): gnomAD 0.00009; TOPMed 0.00010.
gnomAD v4.1: 101 of 1,534,644 alleles (0.0066%); highest among the groups gnomAD compares: Non-Finnish European, 0.008%; no homozygotes.

Submissions (2):

Ambry Genetics
Classification: Uncertain significance. Last evaluated: 2023-08-14. Review status: criteria provided, single submitter. Criteria: Ambry Variant Classification Scheme 2023. Collection method: clinical testing. Allele origin: germline.

Labcorp Genetics (formerly Invitae), Labcorp
Classification: Uncertain significance. Last evaluated: 2022-05-22. Review status: criteria provided, single submitter. Criteria: Invitae Variant Classification Sherloc (09022015). Collection method: clinical testing. Allele origin: germline.
Comment: This sequence change replaces glycine, which is neutral and non-polar, with arginine, which is basic and polar, at codon 5 of the WNT2B protein (p.Gly5Arg). This variant is present in population databases (rs774022592, gnomAD 0.03%). This variant has not been reported in the literature in individuals affected with WNT2B-related conditions. Algorithms developed to predict the effect of missense changes on protein structure and function output the following: SIFT: "Tolerated"; PolyPhen-2: "Probably Damaging"; Align-GVGD: "Class C0". The arginine amino acid residue is found in multiple mammalian species, which suggests that this missense change does not adversely affect protein function. In summary, the available evidence is currently insufficient to determine the role of this variant in disease. Therefore, it has been classified as a Variant of Uncertain Significance.